The following is an entry in ClinVar:

ClinVar aggregate classification (germline): Uncertain significance (1 of 4 stars; one submission).

Conditions:
Hereditary cancer-predisposing syndrome. Also called: Hereditary neoplastic syndrome; Neoplastic Syndromes, Hereditary; Tumor predisposition; Hereditary Cancer Syndrome. Identifiers: Orphanet 140162, MedGen C0027672, MeSH D009386, MONDO:0015356.

Submission:

Ambry Genetics
Classification: Uncertain significance for Hereditary cancer-predisposing syndrome. Last evaluated: 2025-02-03. Review status: criteria provided, single submitter. Criteria: Ambry Variant Classification Scheme 2023. Collection method: clinical testing. Allele origin: germline.
Comment: The p.V692A variant (also known as c.2075T>C), located in coding exon 17 of the BAP1 gene, results from a T to C substitution at nucleotide position 2075. The valine at codon 692 is replaced by alanine, an amino acid with similar properties. This amino acid position is conserved. In addition, this alteration is predicted to be deleterious by in silico analysis. Based on the available evidence, the clinical significance of this variant remains unclear.

NM_004656.4(BAP1):c.2075T>C (p.Val692Ala)

Gene: BAP1 (BRCA1 associated deubiquitinase 1; minus strand). Cytogenetic location: 3p21.1.
Variant type: single nucleotide variant.
Coding change: c.2075T>C on transcript NM_004656.4 (MANE Select); coding-DNA position 2075, T replaced by C.
Protein change: p.Val692Ala; replaces valine 692 with alanine.
Molecular consequence: missense variant.
Genome position (GRCh38, 1-based): chr3:52,402,403, A>G on the plus strand (T>C on the coding strand, the complement: BAP1 is on the minus strand). VCF-style: chr3-52402403-A-G. GRCh37 (hg19) VCF-style: chr3-52436419-A-G.
Other names: c.2021T>C, p.Val674Ala (NM_001410772.1); short protein forms V674A, V692A.
Identifiers: ClinVar variation 3819190 (VCV003819190.1).
Genomic context (GRCh38, chr3:52,402,403, plus strand): 5'-TGCTTGTGGAGCCGGCCGATGCTGACCCCTTGGCGCCGCCGCACGGAGATGTTCTGCTCC[A>G]CTAGGTTGGCCAGCATGCCTGCGAAGAGGTAGAGACCCTTGAGCAGGTGCTGGCTGCCTC-3'
Protein context (NP_004647.1, residues 682-702): LAQEGMLANL[Val692Ala]EQNISVRRRQ